The following is an entry in ClinVar:

ClinVar aggregate classification (germline): Likely benign (1 of 4 stars; one submission).

gnomAD v4.1: 1 of 1,614,036 alleles (0.000062%); highest among the groups gnomAD compares: Non-Finnish European, 0.000085%; no homozygotes.

Submission:

CeGaT Center for Human Genetics Tuebingen
Classification: Likely benign. Last evaluated: 2026-01-01. Review status: criteria provided, single submitter. Criteria: CeGaT Center For Human Genetics Tuebingen Variant Classification Criteria Version 2. Collection method: clinical testing. Allele origin: germline. Affected: yes. Observed: 1 variant allele.
Comment: FLG: BP4, BP7

NM_002016.2(FLG):c.4932G>T (p.Gly1644=)

Genes: CCDST (cervical cancer associated DHX9 suppressive transcript; plus strand), FLG (filaggrin; minus strand). Cytogenetic location: 1q21.3.
Variant type: single nucleotide variant.
Coding change: c.4932G>T on transcript NM_002016.2 (MANE Select); coding-DNA position 4932, G replaced by T.
Protein change: p.Gly1644=; no amino-acid change (glycine 1644 retained).
Molecular consequence: synonymous variant.
Genome position (GRCh38, 1-based): chr1:152,309,954, C>A on the plus strand (G>T on the coding strand, the complement: FLG is on the minus strand). VCF-style: chr1-152309954-C-A. GRCh37 (hg19) VCF-style: chr1-152282430-C-A.
Identifiers: ClinVar variation 4822302 (VCV004822302.4).